The following is an entry in ClinVar:

ClinVar aggregate classification (germline): Uncertain significance (1 of 4 stars; one submission).

Conditions:
Charcot-Marie-Tooth disease type 2R. Also called: CHARCOT-MARIE-TOOTH NEUROPATHY, TYPE 2R; CHARCOT-MARIE-TOOTH DISEASE, AXONAL, AUTOSOMAL RECESSIVE, TYPE 2R; Charcot-Marie-Tooth disease, axonal, type 2R. Identifiers: Orphanet 397968, MedGen C3809655, MONDO:0014208, OMIM 615490.

Submission:

Labcorp Genetics (formerly Invitae), Labcorp
Classification: Uncertain significance for Charcot-Marie-Tooth disease type 2R. Last evaluated: 2022-09-03. Review status: criteria provided, single submitter. Criteria: Invitae Variant Classification Sherloc (09022015). Collection method: clinical testing. Allele origin: germline.
Comment: This sequence change replaces alanine, which is neutral and non-polar, with serine, which is neutral and polar, at codon 147 of the TRIM2 protein (p.Ala147Ser). This variant is not present in population databases (gnomAD no frequency). This variant has not been reported in the literature in individuals affected with TRIM2-related conditions. ClinVar contains an entry for this variant (Variation ID: 855965). Algorithms developed to predict the effect of missense changes on protein structure and function are either unavailable or do not agree on the potential impact of this missense change (SIFT: "Deleterious"; PolyPhen-2: "Benign"; Align-GVGD: "Class C0"). In summary, the available evidence is currently insufficient to determine the role of this variant in disease. Therefore, it has been classified as a Variant of Uncertain Significance.

NM_015271.5(TRIM2):c.520G>T (p.Ala174Ser)

Gene: TRIM2 (tripartite motif containing 2; plus strand). Cytogenetic location: 4q31.3.
Variant type: single nucleotide variant.
Coding change: c.520G>T on transcript NM_015271.5 (MANE Select); coding-DNA position 520, G replaced by T.
Protein change: p.Ala174Ser; replaces alanine 174 with serine.
Molecular consequence: missense variant. On other transcripts: intron variant (2).
Genome position (GRCh38, 1-based): chr4:153,293,048, G>T. VCF-style: chr4-153293048-G-T. GRCh37 (hg19) VCF-style: chr4-154214200-G-T.
Other names: c.439G>T, p.Ala147Ser (NM_001130067.2, NM_001351056.2, NM_001375512.1 and 5 more transcripts); c.493G>T, p.Ala165Ser (NM_001351054.2); c.490G>T, p.Ala164Ser (NM_001351055.2); c.64G>T, p.Ala22Ser (NM_001351057.2); c.613G>T, p.Ala205Ser (NM_001375488.1); c.610G>T, p.Ala204Ser (NM_001375489.1); c.520G>T, p.Ala174Ser (NM_001375490.1); c.517G>T, p.Ala173Ser (NM_001375491.1); and 3 more; short protein forms A173S, A174S, A205S, A164S, A204S, A147S, A165S, A22S.
Identifiers: ClinVar variation 855965 (VCV000855965.9), dbSNP rs200706275, ClinGen allele CA358471301.